The following is an entry in ClinVar:

ClinVar aggregate classification (germline): Likely benign. Review status: criteria provided, multiple submitters, no conflicts (2 of 4 stars). 3 submissions from 3 submitters: Likely benign (3). Last evaluated 2024-11-25.

Conditions:
Hereditary spastic paraplegia 11. Also called: SPASTIC PARAPLEGIA, AUTOSOMAL RECESSIVE, COMPLICATED, WITH THIN CORPUS CALLOSUM; SPASTIC PARAPLEGIA, AUTOSOMAL RECESSIVE, WITH MENTAL IMPAIRMENT AND THIN CORPUS CALLOSUM; Spastic Paraplegia 11; Nakamura Osame syndrome; Autosomal recessive hereditary spastic paraplegia, mental impairment, and thin corpus callosum; Spastic paraplegia, mental retardation and thin corpus callosum. Identifiers: Orphanet 2822, MedGen C1858479, MONDO:0011445, OMIM 604360.
Inborn genetic diseases. Identifiers: MedGen C0950123, MeSH D030342.

Allele frequency attached by ClinVar (database versions not stated): gnomAD exomes below 0.00001 and 0.00001; TOPMed below 0.00001.
gnomAD v4.1: 10 of 1,614,036 alleles (0.00062%); highest among the groups gnomAD compares: South Asian, 0.0011%; no homozygotes.

Submissions (3):

Labcorp Genetics (formerly Invitae), Labcorp
Classification: Likely benign for Hereditary spastic paraplegia 11. Last evaluated: 2024-11-25. Review status: criteria provided, single submitter. Criteria: Invitae Variant Classification Sherloc (09022015). Collection method: clinical testing. Allele origin: germline.

CeGaT Center for Human Genetics Tuebingen
Classification: Likely benign. Last evaluated: 2022-12-01. Review status: criteria provided, single submitter. Criteria: CeGaT Center For Human Genetics Tuebingen Variant Classification Criteria Version 2. Collection method: clinical testing. Allele origin: germline. Affected: yes. Observed: 2 variant alleles.
Comment: SPG11: BP4, BP7

Ambry Genetics
Classification: Likely benign for Inborn genetic diseases. Last evaluated: 2019-07-11. Review status: criteria provided, single submitter. Criteria: Ambry Variant Classification Scheme 2023. Collection method: clinical testing. Allele origin: germline.

NM_025137.4(SPG11):c.264A>G (p.Leu88=)

Gene: SPG11 (SPG11 vesicle trafficking associated, spatacsin; minus strand). Cytogenetic location: 15q21.1.
Variant type: single nucleotide variant.
Coding change: c.264A>G on transcript NM_025137.4 (MANE Select); coding-DNA position 264, A replaced by G.
Protein change: p.Leu88=; no amino-acid change (leucine 88 retained).
Molecular consequence: synonymous variant.
Genome position (GRCh38, 1-based): chr15:44,660,610, T>C on the plus strand (A>G on the coding strand, the complement: SPG11 is on the minus strand). VCF-style: chr15-44660610-T-C. GRCh37 (hg19) VCF-style: chr15-44952808-T-C.
Other names: c.264A>G, p.Leu88= (NM_001160227.2).
Identifiers: ClinVar variation 534907 (VCV000534907.34), dbSNP rs779845183, ClinGen allele CA270111088.